The following is an entry in ClinVar:

NM_000069.3(CACNA1S):c.1915A>G (p.Ile639Val)

Gene: CACNA1S (calcium voltage-gated channel subunit alpha1 S; minus strand). Cytogenetic location: 1q32.1.
Variant type: single nucleotide variant.
Coding change: c.1915A>G on transcript NM_000069.3 (MANE Select); coding-DNA position 1915, A replaced by G.
Protein change: p.Ile639Val; replaces isoleucine 639 with valine.
Molecular consequence: missense variant.
Genome position (GRCh38, 1-based): chr1:201,075,528, T>C on the plus strand (A>G on the coding strand, the complement: CACNA1S is on the minus strand). VCF-style: chr1-201075528-T-C. GRCh37 (hg19) VCF-style: chr1-201044656-T-C.
Other names: short protein forms I639V.
Identifiers: ClinVar variation 873872 (VCV000873872.13), dbSNP rs185777948, ClinGen allele CA078669.

ClinVar aggregate classification (germline): Benign/Likely benign. Review status: criteria provided, multiple submitters, no conflicts (2 of 4 stars). 7 submissions from 4 submitters: Benign (1); Likely benign (6). Last evaluated 2025-04-27.

Conditions:
Hypokalemic periodic paralysis, type 1. Also called: Hypokalemic Periodic Paralysis Type 1 (AD); HypoPP. Identifiers: Orphanet 681, MedGen C3714580, MONDO:0042979, OMIM 170400.
Malignant hyperthermia, susceptibility to, 5 (MHS5). Also called: CACNA1S-Related Malignant Hyperthermia Susceptibility. Identifiers: Orphanet 423, MedGen C1866077, MONDO:0011163, OMIM 601887.
Congenital myopathy 18. Also called: Myopathy, congenital, due to dihydropyridine receptor defect; DIHYDROPYRIDINE RECEPTOR CONGENITAL MYOPATHY; DHPR CONGENITAL MYOPATHY. Identifiers: MedGen C5830283, MONDO:0859514, OMIM 620246.
Thyrotoxic periodic paralysis, susceptibility to, 1 (TTPP1). Identifiers: Orphanet 79102, MedGen C2749982, MONDO:0008570, OMIM 188580.

Allele frequency attached by ClinVar (database versions not stated): gnomAD 0.00002 and 0.00006; ExAC 0.00003; gnomAD exomes 0.00004 and 0.00015; 1000 Genomes Project 30x 0.00031; 1000 Genomes Project 0.00040.

Submissions (7):

Labcorp Genetics (formerly Invitae), Labcorp
Classification: Likely benign for Hypokalemic periodic paralysis, type 1; Malignant hyperthermia, susceptibility to, 5. Last evaluated: 2025-04-27. Review status: criteria provided, single submitter. Criteria: Invitae Variant Classification Sherloc (09022015). Collection method: clinical testing. Allele origin: germline.

Genome-Nilou Lab
Classification: Likely benign for Malignant hyperthermia, susceptibility to, 5. Last evaluated: 2023-04-11. Review status: criteria provided, single submitter. Criteria: ACMG Guidelines, 2015. Collection method: clinical testing. Allele origin: germline. Affected: no.

Genome-Nilou Lab
Classification: Likely benign for Thyrotoxic periodic paralysis, susceptibility to, 1. Last evaluated: 2023-04-11. Review status: criteria provided, single submitter. Criteria: ACMG Guidelines, 2015. Collection method: clinical testing. Allele origin: germline. Affected: no.

Genome-Nilou Lab
Classification: Likely benign for Congenital myopathy 18. Last evaluated: 2023-04-11. Review status: criteria provided, single submitter. Criteria: ACMG Guidelines, 2015. Collection method: clinical testing. Allele origin: germline. Affected: no.

Genome-Nilou Lab
Classification: Likely benign for Hypokalemic periodic paralysis, type 1. Last evaluated: 2023-04-11. Review status: criteria provided, single submitter. Criteria: ACMG Guidelines, 2015. Collection method: clinical testing. Allele origin: germline. Affected: no.

Color Diagnostics, LLC DBA Color Health
Classification: Likely benign for Malignant hyperthermia, susceptibility to, 5. Last evaluated: 2023-01-10. Review status: criteria provided, single submitter. Criteria: ACMG Guidelines, 2015. Collection method: clinical testing. Allele origin: germline.

Illumina Laboratory Services, Illumina
Classification: Benign for Hypokalemic periodic paralysis, type 1. Last evaluated: 2017-07-19. Review status: criteria provided, single submitter. Criteria: ICSL Variant Classification Criteria 13 December 2019. Collection method: clinical testing. Allele origin: germline.
Comment: This variant was observed as part of a predisposition screen in an ostensibly healthy population. A literature search was performed for the gene, cDNA change, and amino acid change (where applicable). No publications were found based on this search. Allele frequency data from public databases was too high to be consistent with this variant causing disease. Therefore, this variant is classified as benign.